The following is an entry in ClinVar:

NM_001127222.2(CACNA1A):c.5930G>A (p.Arg1977His)

Gene: CACNA1A (calcium voltage-gated channel subunit alpha1 A; minus strand). Cytogenetic location: 19p13.13.
Variant type: single nucleotide variant.
Coding change: c.5930G>A on transcript NM_001127222.2 (MANE Select); coding-DNA position 5930, G replaced by A.
Protein change: p.Arg1977His; replaces arginine 1977 with histidine.
Molecular consequence: missense variant.
Genome position (GRCh38, 1-based): chr19:13,214,243, C>T on the plus strand (G>A on the coding strand, the complement: CACNA1A is on the minus strand). VCF-style: chr19-13214243-C-T. GRCh37 (hg19) VCF-style: chr19-13325057-C-T.
Other names: c.5948G>A, p.Arg1983His (NM_000068.4, NM_023035.3); c.5933G>A, p.Arg1978His (NM_001127221.2); c.5939G>A, p.Arg1980His (NM_001174080.2); short protein forms R1978H, R1977H, R1983H, R1980H.
Identifiers: ClinVar variation 383188 (VCV000383188.10), dbSNP rs1057521547, ClinGen allele CA16608893.

ClinVar aggregate classification (germline): Uncertain significance. Review status: criteria provided, multiple submitters, no conflicts (2 of 4 stars). 3 submissions from 3 submitters: Uncertain significance (3). Last evaluated 2022-08-09.

Conditions:
Episodic ataxia type 2 (EA2). Also called: ATAXIA, EPISODIC, WITH NYSTAGMUS; ATAXIA, FAMILIAL PAROXYSMAL; CEREBELLAR ATAXIA, PAROXYSMAL, ACETAZOLAMIDE-RESPONSIVE; CEREBELLOPATHY, HEREDITARY PAROXYSMAL; EPISODIC ATAXIA, NYSTAGMUS-ASSOCIATED; ACETAZOLAMIDE-RESPONSIVE HEREDITARY PAROXYSMAL CEREBELLAR ATAXIA. Identifiers: Orphanet 97, MedGen C1720416, MONDO:0007163, OMIM 108500.
Developmental and epileptic encephalopathy, 42 (DEE42A). Also called: Epileptic encephalopathy, early infantile, 42; DEVELOPMENTAL AND EPILEPTIC ENCEPHALOPATHY 42A; EPILEPTIC ENCEPHALOPATHY, EARLY INFANTILE, 42A. Identifiers: MedGen C4310716, MONDO:0014917, OMIM 617106.

Allele frequency attached by ClinVar (database versions not stated): TOPMed below 0.00001; gnomAD exomes 0.00001.
gnomAD v4.1: 7 of 1,609,136 alleles (0.00044%); highest among the groups gnomAD compares: Non-Finnish European, 0.00059%; no homozygotes.

Submissions (3):

Labcorp Genetics (formerly Invitae), Labcorp
Classification: Uncertain significance for Developmental and epileptic encephalopathy, 42; Episodic ataxia type 2. Last evaluated: 2022-08-09. Review status: criteria provided, single submitter. Criteria: Invitae Variant Classification Sherloc (09022015). Collection method: clinical testing. Allele origin: germline.
Comment: ClinVar contains an entry for this variant (Variation ID: 383188). This sequence change replaces arginine, which is basic and polar, with histidine, which is basic and polar, at codon 1978 of the CACNA1A protein (p.Arg1978His). This variant is not present in population databases (gnomAD no frequency). This variant has not been reported in the literature in individuals affected with CACNA1A-related conditions. Advanced modeling of protein sequence and biophysical properties (such as structural, functional, and spatial information, amino acid conservation, physicochemical variation, residue mobility, and thermodynamic stability) performed at Invitae indicates that this missense variant is not expected to disrupt CACNA1A protein function. In summary, the available evidence is currently insufficient to determine the role of this variant in disease. Therefore, it has been classified as a Variant of Uncertain Significance.

GeneDx
Classification: Uncertain significance. Last evaluated: 2020-05-20. Review status: criteria provided, single submitter. Criteria: GeneDx Variant Classification Process June 2021. Collection method: clinical testing. Allele origin: germline. Affected: yes.
Comment: Not observed in large population cohorts (Lek et al., 2016); In silico analysis supports that this missense variant does not alter protein structure/function; Has not been previously published as pathogenic or benign to our knowledge

Institute of Human Genetics, University of Leipzig Medical Center
Classification: Uncertain significance for Episodic ataxia type 2. Last evaluated: 2019-01-22. Review status: criteria provided, single submitter. Criteria: ACMG Guidelines, 2015. Collection method: clinical testing. Allele origin: germline. Affected: yes. Observed: 1 variant allele.